The following is an entry in ClinVar:

NM_000459.5(TEK):c.2773G>A (p.Ala925Thr)

Gene: TEK (TEK receptor tyrosine kinase; plus strand). Cytogenetic location: 9p21.2.
Variant type: single nucleotide variant.
Coding change: c.2773G>A on transcript NM_000459.5 (MANE Select); coding-DNA position 2773, G replaced by A.
Protein change: p.Ala925Thr; replaces alanine 925 with threonine.
Molecular consequence: missense variant.
Genome position (GRCh38, 1-based): chr9:27,212,793, G>A. VCF-style: chr9-27212793-G-A. GRCh37 (hg19) VCF-style: chr9-27212791-G-A.
Other names: c.2644G>A, p.Ala882Thr (NM_001290077.2); c.2329G>A, p.Ala777Thr (NM_001290078.2); c.2770G>A, p.Ala924Thr (NM_001375475.1); c.2641G>A, p.Ala881Thr (NM_001375476.1); short protein forms A777T, A924T, A882T, A925T, A881T.
Identifiers: ClinVar variation 930496 (VCV000930496.11), dbSNP rs138463877, ClinGen allele CA5016579.
Genomic context (GRCh38, chr9:27,212,793, plus strand): 5'-GCGCCCCATGGAAACCTTCTGGACTTCCTTCGCAAGAGCCGTGTGCTGGAGACGGACCCA[G>A]CATTTGCCATTGCCAATAGCACCGCGTCCACACTGTCCTCCCAGCAGCTCCTTCACTTCG-3'
Protein context (NP_000450.3, residues 915-935): RKSRVLETDP[Ala925Thr]FAIANSTAST

ClinVar aggregate classification (germline): Conflicting classifications of pathogenicity. Review status: criteria provided, conflicting classifications (1 of 4 stars). 4 submissions from 4 submitters: Uncertain significance (2); Likely benign (1). 1 of the submissions does not count toward it. Last evaluated 2026-01-13.

Conditions:
Glaucoma 3, primary congenital, E (GLC3E). Identifiers: MedGen C4310639, MONDO:0014998, OMIM 617272.
Multiple cutaneous and mucosal venous malformations (VMCM). Also called: TEK-Related Multiple Cutaneous and Mucosal Venous Malformations (VMCM). Identifiers: Orphanet 2451, MedGen C1838437, MONDO:0010842, OMIM 600195.

Allele frequency attached by ClinVar (database versions not stated): TOPMed 0.00010; ExAC 0.00010; ESP Exome Variant Server 0.00023; gnomAD exomes 0.00008; gnomAD 0.00011 and 0.00014.
gnomAD v4.1: 136 of 1,613,934 alleles (0.0084%); highest among the groups gnomAD compares: Non-Finnish European, 0.011%; no homozygotes.

Submissions (4):

Labcorp Genetics (formerly Invitae), Labcorp
Classification: Likely benign. Last evaluated: 2026-01-13. Review status: criteria provided, single submitter. Criteria: Invitae Variant Classification Sherloc (09022015). Collection method: clinical testing. Allele origin: germline.

Clinical Genomics Laboratory, Washington University in St. Louis
Classification: Uncertain significance for Multiple cutaneous and mucosal venous malformations. Last evaluated: 2023-10-31. Review status: criteria provided, single submitter. Criteria: ACMG Guidelines, 2015. Collection method: clinical testing. Allele origin: germline.
Comment: The TEK c.2773G>A (p.Ala925Thr) variant was identified at near heterozygous allelic fraction of 50%, a frequency which may be consistent with it being of germline origin. To our knowledge, this variant has not been reported in the medical literature and is only observed on 18/152,084 alleles in the general population (gnomAD v3.1.2), indicating that it is not a common variant. The variant has been reported in the ClinVar database as a likely benign variant by one laboratory and a variant of uncertain significance by two laboratories (ClinVar Variation ID: 930496). Computational predictors are uncertain as to the impact of this variant on TEK function. Due to limited information, and based on the ACMG/AMP guidelines for variant interpretation (Richards S et al., PMID: 25741868), the clinical significance of the TEK c.2773G>A (p.Ala925Thr) variant is uncertain at this time.

Centre for Mendelian Genomics, University Medical Centre Ljubljana
Classification: Uncertain significance for Glaucoma 3, primary congenital, E. Last evaluated: 2019-05-16. Review status: criteria provided, single submitter. Criteria: ACMG Guidelines, 2015. Collection method: clinical testing. Allele origin: unknown. Affected: yes.
Comment: This variant was classified as: Uncertain significance. The available evidence on this variant's pathogenicity is insufficient or conflicting. The following ACMG criteria were applied in classifying this variant: PP3.

Clinical Genetics Laboratory, University Hospital Schleswig-Holstein
Classification: Uncertain significance for Multiple cutaneous and mucosal venous malformations. Last evaluated: 2022-02-01. Review status: no assertion criteria provided. Collection method: clinical testing. Allele origin: germline. Affected: yes. Not counted in ClinVar's aggregate classification.